The following is an entry in ClinVar:

ClinVar aggregate classification (germline): Uncertain significance (1 of 4 stars; one submission).

Conditions:
Telangiectasia, hereditary hemorrhagic, type 2 (HHT2). Also called: ACVRL1-Related Hereditary Hemorrhagic Telangiectasia; Telangiectasia, hereditary hemorrhagic, type II. Identifiers: Orphanet 774, MedGen C1838163, MONDO:0010880, OMIM 600376. Disease mechanism: loss of function.

Submission:

Labcorp Genetics (formerly Invitae), Labcorp
Classification: Uncertain significance for Telangiectasia, hereditary hemorrhagic, type 2. Last evaluated: 2018-03-28. Review status: criteria provided, single submitter. Criteria: Invitae Variant Classification Sherloc (09022015). Collection method: clinical testing. Allele origin: germline.
Comment: This sequence change replaces histidine with glutamine at codon 328 of the ACVRL1 protein (p.His328Gln). The histidine residue is highly conserved and there is a small physicochemical difference between histidine and glutamine. This variant has been reported in an individual affected with hereditary hemorraghic telangiectasia (PMID: 20414677). This variant is not present in population databases (ExAC no frequency). Algorithms developed to predict the effect of missense changes on protein structure and function do not agree on the potential impact of this missense change (SIFT: "Deleterious"; PolyPhen-2: "Probably Damaging"; Align-GVGD: "Class C15"). Two additional missense substitutions at this codon (p.His328Pro and p.His328Tyr) have been reported in individuals affected with hereditary hemorrhagic telangiectasia (PMID: 16470589, 24196379). In summary, the available evidence is currently insufficient to determine the role of this variant in disease. Therefore, it has been classified as a Variant of Uncertain Significance.

Literature cited by the submitters: PubMed 20414677; PubMed 16470589; PubMed 24196379.

NM_000020.3(ACVRL1):c.984C>A (p.His328Gln)

Gene: ACVRL1 (activin A receptor like type 1; plus strand). Cytogenetic location: 12q13.13.
Variant type: single nucleotide variant.
Coding change: c.984C>A on transcript NM_000020.3 (MANE Select); coding-DNA position 984, C replaced by A.
Protein change: p.His328Gln; replaces histidine 328 with glutamine.
Molecular consequence: missense variant.
Genome position (GRCh38, 1-based): chr12:51,915,436, C>A. VCF-style: chr12-51915436-C-A. GRCh37 (hg19) VCF-style: chr12-52309220-C-A.
Other names: c.984C>A, p.His328Gln (NM_001077401.2); short protein forms H328Q.
Identifiers: ClinVar variation 569016 (VCV000569016.8), dbSNP rs1565594410, ClinGen allele CA384901435.